The following is an entry in ClinVar:

NM_001349884.2(DRAM2):c.719A>G (p.Asn240Ser)

Gene: DRAM2 (DNA damage regulated autophagy modulator 2; minus strand). Cytogenetic location: 1p13.3.
Variant type: single nucleotide variant.
Coding change: c.719A>G on transcript NM_001349884.2 (MANE Select); coding-DNA position 719, A replaced by G.
Protein change: p.Asn240Ser; replaces asparagine 240 with serine.
Molecular consequence: missense variant. On other transcripts: non-coding transcript variant (8).
Genome position (GRCh38, 1-based): chr1:111,118,242, T>C on the plus strand (A>G on the coding strand, the complement: DRAM2 is on the minus strand). VCF-style: chr1-111118242-T-C. GRCh37 (hg19) VCF-style: chr1-111660864-T-C.
Other names: c.719A>G, p.Asn240Ser (NM_001349881.2, NM_001349882.2, NM_001349885.2 and 1 more transcripts); c.449A>G, p.Asn150Ser (NM_001349886.2, NM_001349887.2, NM_001349888.2); c.329A>G, p.Asn110Ser (NM_001349889.2, NM_001349890.2, NM_001349891.2 and 2 more transcripts); short protein forms N110S, N240S, N150S.
Identifiers: ClinVar variation 1041048 (VCV001041048.9), dbSNP rs761405900, ClinGen allele CA1001731.

ClinVar aggregate classification (germline): Uncertain significance. Review status: criteria provided, multiple submitters, no conflicts (2 of 4 stars). 3 submissions from 3 submitters: Uncertain significance (2). 1 of the submissions does not count toward it. Last evaluated 2022-10-26.

Conditions:
Retinal dystrophy. Also called: Inherited retinal dystrophy. Identifiers: Orphanet 71862, MedGen C0854723, MeSH D058499, MONDO:0019118, HP:0000556.

Allele frequency attached by ClinVar (database versions not stated): ExAC 0.00002; gnomAD exomes 0.00002; gnomAD 0.00003; TOPMed 0.00003.

Submissions (3):

Blueprint Genetics
Classification: Uncertain significance. Last evaluated: 2022-10-26. Review status: criteria provided, single submitter. Criteria: ACMG Guidelines, 2015. Collection method: clinical testing. Allele origin: germline.

Labcorp Genetics (formerly Invitae), Labcorp
Classification: Uncertain significance. Last evaluated: 2022-04-28. Review status: criteria provided, single submitter. Criteria: Invitae Variant Classification Sherloc (09022015). Collection method: clinical testing. Allele origin: germline.
Comment: This sequence change replaces asparagine, which is neutral and polar, with serine, which is neutral and polar, at codon 240 of the DRAM2 protein (p.Asn240Ser). This variant is present in population databases (rs761405900, gnomAD 0.02%). This variant has not been reported in the literature in individuals affected with DRAM2-related conditions. ClinVar contains an entry for this variant (Variation ID: 1041048). Algorithms developed to predict the effect of missense changes on protein structure and function output the following: SIFT: "Tolerated"; PolyPhen-2: "Benign"; Align-GVGD: "Class C0". The serine amino acid residue is found in multiple mammalian species, which suggests that this missense change does not adversely affect protein function. In summary, the available evidence is currently insufficient to determine the role of this variant in disease. Therefore, it has been classified as a Variant of Uncertain Significance.

Institute of Human Genetics, Univ. Regensburg, Univ. Regensburg
Classification: Uncertain significance for Retinal dystrophy. Last evaluated: 2022-01-01. Review status: no assertion criteria provided. Criteria: ACMG Guidelines, 2015. Collection method: clinical testing. Allele origin: germline. Affected: yes. Not counted in ClinVar's aggregate classification.